The following is an entry in ClinVar:

NM_018017.4(CCDC186):c.769A>G (p.Arg257Gly)

Gene: CCDC186 (coiled-coil domain containing 186; minus strand). Cytogenetic location: 10q25.3.
Variant type: single nucleotide variant.
Coding change: c.769A>G on transcript NM_018017.4 (MANE Select); coding-DNA position 769, A replaced by G.
Protein change: p.Arg257Gly; replaces arginine 257 with glycine.
Molecular consequence: missense variant. On other transcripts: non-coding transcript variant (1).
Genome position (GRCh38, 1-based): chr10:114,151,211, T>C on the plus strand (A>G on the coding strand, the complement: CCDC186 is on the minus strand). VCF-style: chr10-114151211-T-C. GRCh37 (hg19) VCF-style: chr10-115910970-T-C.
Other names: c.769A>G, p.Arg257Gly (NM_001321829.1); short protein forms R257G.
Identifiers: ClinVar variation 3718490 (VCV003718490.2).

ClinVar aggregate classification (germline): Uncertain significance (1 of 4 stars; one submission).

Submission:

Labcorp Genetics (formerly Invitae), Labcorp
Classification: Uncertain significance. Last evaluated: 2024-03-30. Review status: criteria provided, single submitter. Criteria: Invitae Variant Classification Sherloc (09022015). Collection method: clinical testing. Allele origin: germline.
Comment: This sequence change replaces arginine, which is basic and polar, with glycine, which is neutral and non-polar, at codon 257 of the CCDC186 protein (p.Arg257Gly). This variant is not present in population databases (gnomAD no frequency). This variant has not been reported in the literature in individuals affected with CCDC186-related conditions. An algorithm developed to predict the effect of missense changes on protein structure and function (PolyPhen-2) suggests that this variant is likely to be tolerated. In summary, the available evidence is currently insufficient to determine the role of this variant in disease. Therefore, it has been classified as a Variant of Uncertain Significance.